The following is an entry in ClinVar:

NM_001365951.3(KIF1B):c.3217G>A (p.Val1073Ile)

Gene: KIF1B (kinesin family member 1B; plus strand). Cytogenetic location: 1p36.22.
Variant type: single nucleotide variant.
Coding change: c.3217G>A on transcript NM_001365951.3 (MANE Select); coding-DNA position 3217, G replaced by A.
Protein change: p.Val1073Ile; replaces valine 1073 with isoleucine.
Molecular consequence: missense variant.
Genome position (GRCh38, 1-based): chr1:10,337,161, G>A. VCF-style: chr1-10337161-G-A. GRCh37 (hg19) VCF-style: chr1-10397219-G-A.
Other names: c.3217G>A, p.Val1073Ile (NM_001365952.1); c.3079G>A, p.Val1027Ile (NM_015074.3); short protein forms V1027I, V1073I.
Identifiers: ClinVar variation 4043126 (VCV004043126.1).
Genomic context (GRCh38, chr1:10,337,161, plus strand): 5'-CGTTCTGGTCTGTCCTTGGAGGAGTTGAGGATTGTGGAAGGACAGGGTCAGAGTTCTGAG[G>A]TCATCACTCCTCCAGAAGAAATCAGTCGAATTAATGACTTGGGTATGTAGACATAGTTTA-3'
Protein context (NP_001352880.1, residues 1063-1083): IVEGQGQSSE[Val1073Ile]ITPPEEISRI

ClinVar aggregate classification (germline): Uncertain significance (1 of 4 stars; one submission).

Submission:

Ambry Genetics
Classification: Uncertain significance. Last evaluated: 2025-05-05. Review status: criteria provided, single submitter. Criteria: Ambry Variant Classification Scheme 2023. Collection method: clinical testing. Allele origin: germline.
Comment: The p.V1027I variant (also known as c.3079G>A), located in coding exon 27 of the KIF1B gene, results from a G to A substitution at nucleotide position 3079. The valine at codon 1027 is replaced by isoleucine, an amino acid with highly similar properties. This amino acid position is conserved. In addition, this alteration is predicted to be tolerated by in silico analysis. Based on the available evidence, the clinical significance of this variant remains unclear.